The following is an entry in ClinVar:

ClinVar aggregate classification (germline): Uncertain significance (1 of 4 stars; one submission).

Submission:

Labcorp Genetics (formerly Invitae), Labcorp
Classification: Uncertain significance. Last evaluated: 2024-01-02. Review status: criteria provided, single submitter. Criteria: Invitae Variant Classification Sherloc (09022015). Collection method: clinical testing. Allele origin: germline.
Comment: This sequence change replaces arginine, which is basic and polar, with serine, which is neutral and polar, at codon 1823 of the POLE protein (p.Arg1823Ser). This variant is not present in population databases (gnomAD no frequency). This variant has not been reported in the literature in individuals affected with POLE-related conditions. Advanced modeling of protein sequence and biophysical properties (such as structural, functional, and spatial information, amino acid conservation, physicochemical variation, residue mobility, and thermodynamic stability) performed at Invitae indicates that this missense variant is not expected to disrupt POLE protein function with a negative predictive value of 80%. In summary, the available evidence is currently insufficient to determine the role of this variant in disease. Therefore, it has been classified as a Variant of Uncertain Significance.

NM_006231.4(POLE):c.5467C>A (p.Arg1823Ser)

Gene: POLE (DNA polymerase epsilon, catalytic subunit; minus strand). Cytogenetic location: 12q24.33.
Variant type: single nucleotide variant.
Coding change: c.5467C>A on transcript NM_006231.4 (MANE Select); coding-DNA position 5467, C replaced by A.
Protein change: p.Arg1823Ser; replaces arginine 1823 with serine.
Molecular consequence: missense variant.
Genome position (GRCh38, 1-based): chr12:132,639,210, G>T on the plus strand (C>A on the coding strand, the complement: POLE is on the minus strand). VCF-style: chr12-132639210-G-T. GRCh37 (hg19) VCF-style: chr12-133215796-G-T.
Other names: short protein forms R1823S.
Identifiers: ClinVar variation 2706995 (VCV002706995.3), dbSNP rs753627422, ClinGen allele CA387374705.